The following is an entry in ClinVar:

NM_017415.3(KLHL3):c.*1104G>A

Gene: KLHL3 (kelch like family member 3; minus strand). Cytogenetic location: 5q31.2.
Variant type: single nucleotide variant.
Coding change: c.*1104G>A on transcript NM_017415.3 (MANE Select); 1104 bases downstream of the stop codon, G replaced by A.
Molecular consequence: 3 prime UTR variant.
Genome position (GRCh38, 1-based): chr5:137,620,994, C>T on the plus strand (G>A on the coding strand, the complement: KLHL3 is on the minus strand). VCF-style: chr5-137620994-C-T. GRCh37 (hg19) VCF-style: chr5-136956683-C-T.
Other names: c.*1104G>A (NM_001257194.1, NM_001257195.2).
Identifiers: ClinVar variation 350967 (VCV000350967.6), dbSNP rs7444370, ClinGen allele CA10622789.

ClinVar aggregate classification (germline): Benign (1 of 4 stars; one submission).

Conditions:
Pseudohypoaldosteronism type 2D (PHA2D). Also called: FAMILIAL HYPERKALEMIC HYPERTENSION; PSEUDOHYPOALDOSTERONISM, TYPE IID, AUTOSOMAL DOMINANT OR RECESSIVE; Pseudohypoaldosteronism Type IID. Identifiers: Orphanet 300525, Orphanet 757, MedGen C3469605, MONDO:0013781, OMIM 614495.

Allele frequency attached by ClinVar (database versions not stated): gnomAD exomes 0.03125; gnomAD 0.10239 and 0.10673; TOPMed 0.11026; 1000 Genomes Project 0.11122; 1000 Genomes Project 30x 0.11384.
gnomAD v4.1: 15,510 of 152,298 alleles (10%); highest among the groups gnomAD compares: African/African-American, 27%; 1,642 homozygotes.

Submission:

Illumina Laboratory Services, Illumina
Classification: Benign for Pseudohypoaldosteronism type 2D. Last evaluated: 2018-01-13. Review status: criteria provided, single submitter. Criteria: ICSL Variant Classification Criteria 13 December 2019. Collection method: clinical testing. Allele origin: germline.
Comment: This variant was observed in the ICSL laboratory as part of a predisposition screen in an ostensibly healthy population. It had not been previously curated by ICSL or reported in the Human Gene Mutation Database (HGMD: prior to June 1st, 2018), and was therefore a candidate for classification through an automated scoring system. Utilizing variant allele frequency, disease prevalence and penetrance estimates, and inheritance mode, an automated score was calculated to assess if this variant is too frequent to cause the disease. Based on the score and internal cut-off values, a variant classified as benign is not then subjected to further curation. The score for this variant resulted in a classification of benign for this disease.